The following is an entry in ClinVar:

NM_024426.6(WT1):c.422C>T (p.Pro141Leu)

Genes: WT1 (WT1 transcription factor; minus strand), LOC107982234 (WT1/WT1-AS bi-directional promoter region; plus strand). Cytogenetic location: 11p13.
Variant type: single nucleotide variant.
Coding change: c.422C>T on transcript NM_024426.6 (MANE Select); coding-DNA position 422, C replaced by T.
Protein change: p.Pro141Leu; replaces proline 141 with leucine.
Molecular consequence: missense variant. On other transcripts: non-coding transcript variant (2).
Genome position (GRCh38, 1-based): chr11:32,434,939, G>A on the plus strand (C>T on the coding strand, the complement: WT1 is on the minus strand). VCF-style: chr11-32434939-G-A. GRCh37 (hg19) VCF-style: chr11-32456485-G-A.
Other names: c.422C>T, p.Pro141Leu (NM_000378.6, NM_001407044.1, NM_001407045.1 and 6 more transcripts); c.407C>T, p.Pro136Leu (NM_024425.2); short protein forms P136L, P141L.
Identifiers: ClinVar variation 2953840 (VCV002953840.3), dbSNP rs2494480260, ClinGen allele CA379965699.
Genomic context (GRCh38, chr11:32,434,939, plus strand): 5'-CACTGCTCCTCGTGCGGCTCCGCGCCGCCCCAGCTCGGCTCCTGTTTGATGAAGGAGTGA[G>A]GCGGCGGCGGCGGGGGTGGCGGCGGAGCCGGTGGCGGCGCGGGGCCGCCCAACGACCCGT-3'
Protein context (NP_077744.4, residues 131-151): PAPPPPPPPP[Pro141Leu]HSFIKQEPSW

ClinVar aggregate classification (germline): Uncertain significance (1 of 4 stars; one submission).

Conditions:
Wilms tumor 1 (WT1). Also called: Wilms tumor, somatic. Identifiers: Orphanet 654, MedGen CN033288, MONDO:0008679, OMIM 194070.
11p partial monosomy syndrome (WAGR). Also called: WAGR syndrome; WAGR Complex; WAGR Spectrum Disorder; CHROMOSOME 11p13 DELETION SYNDROME. Identifiers: Orphanet 893, MedGen C0206115, MONDO:0008681, OMIM 194072.
Drash syndrome (DDS). Also called: WILMS TUMOR AND PSEUDO- OR TRUE HERMAPHRODITISM; NEPHROPATHY, WILMS TUMOR, AND GENITAL ANOMALIES. Identifiers: Orphanet 220, MedGen C0950121, MONDO:0008682, OMIM 194080.
Frasier syndrome. Identifiers: Orphanet 347, MedGen C0950122, MeSH D052159, MONDO:0007635, OMIM 136680.

Submission:

Labcorp Genetics (formerly Invitae), Labcorp
Classification: Uncertain significance for Wilms tumor 1; Drash syndrome; 11p partial monosomy syndrome; Frasier syndrome. Last evaluated: 2025-09-16. Review status: criteria provided, single submitter. Criteria: Invitae Variant Classification Sherloc (09022015). Collection method: clinical testing. Allele origin: germline.
Comment: This sequence change replaces proline, which is neutral and non-polar, with leucine, which is neutral and non-polar, at codon 136 of the WT1 protein (p.Pro136Leu). This variant is not present in population databases (gnomAD no frequency). This variant has not been reported in the literature in individuals affected with WT1-related conditions. ClinVar contains an entry for this variant (Variation ID: 2953840). Invitae Evidence Modeling of protein sequence and biophysical properties (such as structural, functional, and spatial information, amino acid conservation, physicochemical variation, residue mobility, and thermodynamic stability) indicates that this missense variant is not expected to disrupt WT1 protein function with a negative predictive value of 95%. In summary, the available evidence is currently insufficient to determine the role of this variant in disease. Therefore, it has been classified as a Variant of Uncertain Significance.